The following is an entry in ClinVar:

NM_145059.3(FCSK):c.1174C>T (p.Pro392Ser)

Gene: FCSK (fucose kinase; plus strand). Cytogenetic location: 16q22.1.
Variant type: single nucleotide variant.
Coding change: c.1174C>T on transcript NM_145059.3 (MANE Select); coding-DNA position 1174, C replaced by T.
Protein change: p.Pro392Ser; replaces proline 392 with serine.
Molecular consequence: missense variant.
Genome position (GRCh38, 1-based): chr16:70,471,185, C>T. VCF-style: chr16-70471185-C-T. GRCh37 (hg19) VCF-style: chr16-70505088-C-T.
Other names: short protein forms P392S.
Identifiers: ClinVar variation 1991305 (VCV001991305.4), dbSNP rs749579594, ClinGen allele CA8143244.

ClinVar aggregate classification (germline): Uncertain significance (1 of 4 stars; one submission).

Allele frequency attached by ClinVar (database versions not stated): TOPMed below 0.00001; gnomAD 0.00001; ExAC 0.00002.

Submission:

Labcorp Genetics (formerly Invitae), Labcorp
Classification: Uncertain significance. Last evaluated: 2025-11-10. Review status: criteria provided, single submitter. Criteria: Invitae Variant Classification Sherloc (09022015). Collection method: clinical testing. Allele origin: germline.
Comment: This sequence change replaces proline, which is neutral and non-polar, with serine, which is neutral and polar, at codon 392 of the FUK protein (p.Pro392Ser). This variant is present in population databases (rs749579594, gnomAD 0.003%). This variant has not been reported in the literature in individuals affected with FUK-related conditions. ClinVar contains an entry for this variant (Variation ID: 1991305). An algorithm developed to predict the effect of missense changes on protein structure and function (PolyPhen-2) suggests that this variant is likely to be disruptive. In summary, the available evidence is currently insufficient to determine the role of this variant in disease. Therefore, it has been classified as a Variant of Uncertain Significance.